The following is an entry in ClinVar:

NM_016122.3(CEP83):c.479C>T (p.Ser160Leu)

Gene: CEP83 (centrosomal protein 83; minus strand). Cytogenetic location: 12q22.
Variant type: single nucleotide variant.
Coding change: c.479C>T on transcript NM_016122.3 (MANE Select); coding-DNA position 479, C replaced by T.
Protein change: p.Ser160Leu; replaces serine 160 with leucine.
Molecular consequence: missense variant. On other transcripts: non-coding transcript variant (3), intron variant (2).
Genome position (GRCh38, 1-based): chr12:94,400,920, G>A on the plus strand (C>T on the coding strand, the complement: CEP83 is on the minus strand). VCF-style: chr12-94400920-G-A. GRCh37 (hg19) VCF-style: chr12-94794696-G-A.
Other names: c.479C>T, p.Ser160Leu (NM_001042399.2, NM_001346457.2, NM_001346460.2 and 3 more transcripts); c.167C>T, p.Ser56Leu (NM_001346458.2, NM_001346459.2, NM_001346462.2 and 2 more transcripts); c.324+10777C>T (NM_001368041.1); c.12+10777C>T (NM_001368042.1); short protein forms S160L, S56L.
Identifiers: ClinVar variation 578304 (VCV000578304.6), dbSNP rs747045010, ClinGen allele CA6721927.

ClinVar aggregate classification (germline): Uncertain significance (1 of 4 stars; one submission).

Conditions:
Nephronophthisis 18 (NPHP18). Identifiers: Orphanet 655, MedGen C3890591, MONDO:0014374, OMIM 615862.

Allele frequency attached by ClinVar (database versions not stated): ExAC 0.00001; gnomAD 0.00001; gnomAD exomes 0.00001; TOPMed 0.00002.

Submission:

Labcorp Genetics (formerly Invitae), Labcorp
Classification: Uncertain significance for Nephronophthisis 18. Last evaluated: 2022-07-06. Review status: criteria provided, single submitter. Criteria: Invitae Variant Classification Sherloc (09022015). Collection method: clinical testing. Allele origin: germline.
Comment: In summary, the available evidence is currently insufficient to determine the role of this variant in disease. Therefore, it has been classified as a Variant of Uncertain Significance. Algorithms developed to predict the effect of missense changes on protein structure and function are either unavailable or do not agree on the potential impact of this missense change (SIFT: "Not Available"; PolyPhen-2: "Probably Damaging"; Align-GVGD: "Not Available"). ClinVar contains an entry for this variant (Variation ID: 578304). This variant has not been reported in the literature in individuals affected with CEP83-related conditions. This variant is present in population databases (rs747045010, gnomAD 0.002%). This sequence change replaces serine, which is neutral and polar, with leucine, which is neutral and non-polar, at codon 160 of the CEP83 protein (p.Ser160Leu).